The following is an entry in ClinVar:

NM_001111125.3(IQSEC2):c.2008A>G (p.Thr670Ala)

Gene: IQSEC2 (IQ motif and Sec7 domain ArfGEF 2; minus strand). Cytogenetic location: Xp11.22.
Variant type: single nucleotide variant.
Coding change: c.2008A>G on transcript NM_001111125.3 (MANE Select); coding-DNA position 2008, A replaced by G.
Protein change: p.Thr670Ala; replaces threonine 670 with alanine.
Molecular consequence: missense variant.
Genome position (GRCh38, 1-based): chrX:53,250,568, T>C on the plus strand (A>G on the coding strand, the complement: IQSEC2 is on the minus strand). VCF-style: chrX-53250568-T-C. GRCh37 (hg19) VCF-style: chrX-53279750-T-C.
Other names: c.2008A>G (NM_001111125.1); c.2008A>G, p.Thr670Ala (NM_001410736.1); c.1393A>G, p.Thr465Ala (NM_015075.2); short protein forms T670A, T465A.
Identifiers: ClinVar variation 2005018 (VCV002005018.5), dbSNP rs2519800580, ClinGen allele CA413162635.

ClinVar aggregate classification (germline): Uncertain significance. Review status: criteria provided, multiple submitters, no conflicts (2 of 4 stars). 2 submissions from 2 submitters: Uncertain significance (2). Last evaluated 2026-03-27.

Conditions:
Intellectual developmental disorder, X-linked 1. Also called: Atkin Flaitz Patil Smith syndrome; MENTAL RETARDATION, X-LINKED 18; MENTAL RETARDATION, X-LINKED 78; Intellectual disability, X-linked 1. Identifiers: Orphanet 777, MedGen C2931498, MONDO:0010656, OMIM 309530.

Submissions (2):

GeneDx
Classification: Uncertain significance. Last evaluated: 2026-03-27. Review status: criteria provided, single submitter. Criteria: GeneDx Variant Classification Process June 2021. Collection method: clinical testing. Allele origin: germline.
Comment: Not observed at significant frequency in large population cohorts (gnomAD); In silico analysis suggests that this missense variant does not alter protein structure/function; Has not been previously published as pathogenic or benign to our knowledge

Labcorp Genetics (formerly Invitae), Labcorp
Classification: Uncertain significance for Intellectual developmental disorder, X-linked 1. Last evaluated: 2022-06-12. Review status: criteria provided, single submitter. Criteria: Invitae Variant Classification Sherloc (09022015). Collection method: clinical testing. Allele origin: germline.
Comment: This sequence change replaces threonine, which is neutral and polar, with alanine, which is neutral and non-polar, at codon 670 of the IQSEC2 protein (p.Thr670Ala). This variant is not present in population databases (gnomAD no frequency). This variant has not been reported in the literature in individuals affected with IQSEC2-related conditions. Advanced modeling of protein sequence and biophysical properties (such as structural, functional, and spatial information, amino acid conservation, physicochemical variation, residue mobility, and thermodynamic stability) performed at Invitae indicates that this missense variant is not expected to disrupt IQSEC2 protein function. In summary, the available evidence is currently insufficient to determine the role of this variant in disease. Therefore, it has been classified as a Variant of Uncertain Significance.